The following is an entry in ClinVar:

ClinVar aggregate classification (germline): Conflicting classifications of pathogenicity. Review status: criteria provided, conflicting classifications (1 of 4 stars). 3 submissions from 3 submitters: Uncertain significance (2); Likely benign (1). Last evaluated 2024-09-10.

Conditions:
Hereditary nonpolyposis colorectal neoplasms. Identifiers: MedGen C0009405, MeSH D003123.
Hereditary cancer-predisposing syndrome. Also called: Hereditary neoplastic syndrome; Tumor predisposition; Neoplastic Syndromes, Hereditary; Hereditary Cancer Syndrome. Identifiers: Orphanet 140162, MedGen C0027672, MeSH D009386, MONDO:0015356.

Allele frequency attached by ClinVar (database versions not stated): gnomAD exomes below 0.00001; ExAC 0.00001.

Submissions (3):

Ambry Genetics
Classification: Uncertain significance for Hereditary cancer-predisposing syndrome. Last evaluated: 2024-09-10. Review status: criteria provided, single submitter. Criteria: Ambry Variant Classification Scheme 2023. Collection method: clinical testing. Allele origin: germline.
Comment: The p.F1191L variant (also known as c.3571T>C), located in coding exon 7 of the MSH6 gene, results from a T to C substitution at nucleotide position 3571. The phenylalanine at codon 1191 is replaced by leucine, an amino acid with highly similar properties. This amino acid position is highly conserved in available vertebrate species. In addition, this alteration is predicted to be deleterious by in silico analysis. Based on the available evidence, the clinical significance of this variant remains unclear.

GeneDx
Classification: Uncertain significance. Last evaluated: 2024-08-13. Review status: criteria provided, single submitter. Criteria: GeneDx Variant Classification Process June 2021. Collection method: clinical testing. Allele origin: germline. Affected: yes.
Comment: Not observed at significant frequency in large population cohorts (gnomAD); In silico analysis indicates that this missense variant does not alter protein structure/function; Has not been previously published as pathogenic or benign to our knowledge; This variant is associated with the following publications: (PMID: 17531815, 21120944)

Labcorp Genetics (formerly Invitae), Labcorp
Classification: Likely benign for Hereditary nonpolyposis colorectal neoplasms. Last evaluated: 2024-07-30. Review status: criteria provided, single submitter. Criteria: Invitae Variant Classification Sherloc (09022015). Collection method: clinical testing. Allele origin: germline.

NM_000179.3(MSH6):c.3571T>C (p.Phe1191Leu)

Gene: MSH6 (mutS homolog 6; plus strand). Cytogenetic location: 2p16.3.
Variant type: single nucleotide variant.
Coding change: c.3571T>C on transcript NM_000179.3 (MANE Select); coding-DNA position 3571, T replaced by C.
Protein change: p.Phe1191Leu; replaces phenylalanine 1191 with leucine.
Molecular consequence: missense variant.
Genome position (GRCh38, 1-based): chr2:47,805,632, T>C. VCF-style: chr2-47805632-T-C. GRCh37 (hg19) VCF-style: chr2-48032771-T-C.
Other names: c.3181T>C, p.Phe1061Leu (NM_001281492.2); c.2665T>C, p.Phe889Leu (NM_001281493.2, NM_001281494.2); short protein forms F1191L, F889L, F1061L.
Identifiers: ClinVar variation 418902 (VCV000418902.11), dbSNP rs752857771, ClinGen allele CA071410.
Genomic context (GRCh38, chr2:47,805,632, plus strand): 5'-ATGATTTGCAAAATGAGTATTCATTTGTGATTTTTTTTTTTTTAAGGTGAAAGTACATTT[T>C]TTGTTGAATTAAGTGAAACTGCCAGCATACTCATGCATGCAACAGCACATTCTCTGGTGC-3'
Protein context (NP_000170.1, residues 1181-1201): DRIMSGESTF[Phe1191Leu]VELSETASIL